The following is an entry in ClinVar:

ClinVar aggregate classification (germline): Conflicting classifications of pathogenicity. Review status: criteria provided, conflicting classifications (1 of 4 stars). 5 submissions from 5 submitters: Uncertain significance (2); Likely benign (3). Last evaluated 2025-12-29.

Conditions:
Hereditary cancer-predisposing syndrome. Also called: Neoplastic Syndromes, Hereditary; Tumor predisposition; Hereditary Cancer Syndrome; Hereditary neoplastic syndrome. Identifiers: Orphanet 140162, MedGen C0027672, MeSH D009386, MONDO:0015356.

Allele frequency attached by ClinVar (database versions not stated): gnomAD exomes 0.00001.
gnomAD v4.1: 16 of 1,614,136 alleles (0.00099%); highest among the groups gnomAD compares: Non-Finnish European, 0.0014%; no homozygotes.

Submissions (5):

Center for Genomic Medicine, Rigshospitalet, Copenhagen University Hospital
Classification: Uncertain significance. Last evaluated: 2025-12-29. Review status: criteria provided, single submitter. Criteria: ACMG Guidelines, 2015. Collection method: clinical testing. Allele origin: germline.

Labcorp Genetics (formerly Invitae), Labcorp
Classification: Likely benign. Last evaluated: 2025-12-08. Review status: criteria provided, single submitter. Criteria: Invitae Variant Classification Sherloc (09022015). Collection method: clinical testing. Allele origin: germline.

GeneDx
Classification: Uncertain significance. Last evaluated: 2023-07-25. Review status: criteria provided, single submitter. Criteria: GeneDx Variant Classification Process June 2021. Collection method: clinical testing. Allele origin: germline. Affected: yes.
Comment: Has not been previously published as pathogenic or benign to our knowledge; Not observed at a significant frequency in large population cohorts (gnomAD); In silico analysis supports a deleterious effect on splicing

Sema4
Classification: Likely benign for Hereditary cancer-predisposing syndrome. Last evaluated: 2021-04-10. Review status: criteria provided, single submitter. Criteria: Sema4 Curation Guidelines. Collection method: curation. Allele origin: germline.

Ambry Genetics
Classification: Likely benign for Hereditary cancer-predisposing syndrome. Last evaluated: 2015-12-21. Review status: criteria provided, single submitter. Criteria: Ambry Variant Classification Scheme 2023. Collection method: clinical testing. Allele origin: germline.

NM_006231.4(POLE):c.5454G>A (p.Val1818=)

Gene: POLE (DNA polymerase epsilon, catalytic subunit; minus strand). Cytogenetic location: 12q24.33.
Variant type: single nucleotide variant.
Coding change: c.5454G>A on transcript NM_006231.4 (MANE Select); coding-DNA position 5454, G replaced by A.
Protein change: p.Val1818=; no amino-acid change (valine 1818 retained).
Molecular consequence: synonymous variant.
Genome position (GRCh38, 1-based): chr12:132,639,223, C>T on the plus strand (G>A on the coding strand, the complement: POLE is on the minus strand). VCF-style: chr12-132639223-C-T. GRCh37 (hg19) VCF-style: chr12-133215809-C-T.
Identifiers: ClinVar variation 413557 (VCV000413557.20), dbSNP rs1046972573, ClinGen allele CA16613751.